The following is an entry in ClinVar:

NM_006939.4(SOS2):c.2120A>G (p.Glu707Gly)

Gene: SOS2 (SOS Ras/Rho guanine nucleotide exchange factor 2; minus strand). Cytogenetic location: 14q21.3.
Variant type: single nucleotide variant.
Coding change: c.2120A>G on transcript NM_006939.4 (MANE Select); coding-DNA position 2120, A replaced by G.
Protein change: p.Glu707Gly; replaces glutamic acid 707 with glycine.
Molecular consequence: missense variant.
Genome position (GRCh38, 1-based): chr14:50,153,111, T>C on the plus strand (A>G on the coding strand, the complement: SOS2 is on the minus strand). VCF-style: chr14-50153111-T-C. GRCh37 (hg19) VCF-style: chr14-50619829-T-C.
Other names: c.2120A>G (NM_006939.3); short protein forms E707G.
Identifiers: ClinVar variation 542400 (VCV000542400.21), dbSNP rs369462490, ClinGen allele CA7177126.
Genomic context (GRCh38, chr14:50,153,111, plus strand): 5'-AAACCTTTATATAATATACCTCTTACACTTGAAATGAAGGATTCTAGTCTTTCAAGCAAT[T>C]CCAAGTCTCTTTCAAAGTCATAAAAATGATGTTCAACCCAATGCCGAAATACATTTAAGA-3'
Protein context (NP_008870.2, residues 697-717): HHFYDFERDL[Glu707Gly]LLERLESFIS

ClinVar aggregate classification (germline): Likely benign. Review status: criteria provided, multiple submitters, no conflicts (2 of 4 stars). 7 submissions from 7 submitters: Likely benign (7). Last evaluated 2026-02-01.

Conditions:
SOS2-related disorder. Also called: SOS2-related condition.
Noonan syndrome 9 (NS9). Identifiers: Orphanet 648, MedGen C4225282, MONDO:0014691, OMIM 616559.
Cardiovascular phenotype. Identifiers: MedGen CN230736.

Allele frequency attached by ClinVar (database versions not stated): gnomAD 0.00008 and 0.00011; TOPMed 0.00011; ExAC 0.00013; ESP Exome Variant Server 0.00015; 1000 Genomes Project 30x 0.00016; gnomAD exomes 0.00017 and 0.00021; 1000 Genomes Project 0.00020.
gnomAD v4.1: 316 of 1,603,938 alleles (0.02%); highest among the groups gnomAD compares: Middle Eastern, 0.083%; 1 homozygote.

Submissions (7):

CeGaT Center for Human Genetics Tuebingen
Classification: Likely benign. Last evaluated: 2026-02-01. Review status: criteria provided, single submitter. Criteria: CeGaT Center For Human Genetics Tuebingen Variant Classification Criteria Version 2. Collection method: clinical testing. Allele origin: germline. Affected: yes. Observed: 1 variant allele.
Comment: SOS2: BP4, BS2

Labcorp Genetics (formerly Invitae), Labcorp
Classification: Likely benign for Noonan syndrome 9. Last evaluated: 2026-01-29. Review status: criteria provided, single submitter. Criteria: Invitae Variant Classification Sherloc (09022015). Collection method: clinical testing. Allele origin: germline.

PreventionGenetics, part of Exact Sciences
Classification: Likely benign for SOS2-related condition. Last evaluated: 2025-04-21. Review status: criteria provided, single submitter. Criteria: ACMG Guidelines, 2015. Collection method: clinical testing. Allele origin: germline.
Comment: This variant is classified as likely benign based on ACMG/AMP sequence variant interpretation guidelines (Richards et al. 2015 PMID: 25741868, with internal and published modifications).

Ambry Genetics
Classification: Likely benign for Cardiovascular phenotype. Last evaluated: 2024-11-25. Review status: criteria provided, single submitter. Criteria: Ambry Variant Classification Scheme 2023. Collection method: clinical testing. Allele origin: germline.

Blueprint Genetics
Classification: Likely benign. Last evaluated: 2024-11-22. Review status: criteria provided, single submitter. Criteria: ACMG Guidelines, 2015. Collection method: clinical testing. Allele origin: germline.

Fulgent Genetics
Classification: Likely benign for Noonan syndrome 9. Last evaluated: 2024-02-23. Review status: criteria provided, single submitter. Criteria: ACMG Guidelines, 2015. Collection method: clinical testing. Allele origin: germline.

Women's Health and Genetics/Laboratory Corporation of America, LabCorp
Classification: Likely benign. Last evaluated: 2023-01-03. Review status: criteria provided, single submitter. Criteria: LabCorp Variant Classification Summary - May 2015. Collection method: clinical testing. Allele origin: germline.
Comment: Variant summary: SOS2 c.2120A>G (p.Glu707Gly) results in a non-conservative amino acid change located in the RAS-like guanine nucleotide exchange factor, N-terminal domain (IPR000651), also known as the RAS exchanger motif (REM), of the encoded protein sequence. Three of five in-silico tools predict a benign effect of the variant on protein function. The variant allele was found at a frequency of 0.00017 in 250218 control chromosomes (gnomAD). The observed variant frequency is approximately 67-fold of the estimated maximal expected allele frequency for a pathogenic variant in SOS2 causing Noonan Syndrome phenotype (2.5e-06), strongly suggesting that the variant is benign. c.2120A>G has been reported in the literature in individuals with a clinically diagnosed RASopathy without strong evidence for causation and was considered to be a polymorphism (Cordeddu_2015). Thus this report does not provide unequivocal conclusions about association of the variant with Noonan Syndrome. To our knowledge, no experimental evidence demonstrating an impact on protein function has been reported. One clinical diagnostic laboratory has submitted a clinical-significance assessment for this variant to ClinVar after 2014 and classified the variant as likely benign. Based on the evidence outlined above, the variant was classified as likely benign.

Literature cited by the submitters: PubMed 26173643 (cited by Women's Health and Genetics/Laboratory Corporation of America, LabCorp).